The following is an entry in ClinVar:

ClinVar aggregate classification (germline): Uncertain significance (1 of 4 stars; one submission).

Conditions:
Deficiency of adenosine deaminase 2. Also called: Polyarteritis nodosa, childhoood-onset; VASCULITIS, AUTOINFLAMMATION, IMMUNODEFICIENCY, AND HEMATOLOGIC DEFECTS SYNDROME; Adenosine Deaminase 2 Deficiency. Identifiers: Orphanet 404553, MedGen C3887654, MONDO:0014306, OMIM 615688, MONDO:0100317.

Allele frequency attached by ClinVar (database versions not stated): gnomAD exomes below 0.00001 and 0.00002; ExAC 0.00001.
gnomAD v4.1: 7 of 1,614,132 alleles (0.00043%); highest among the groups gnomAD compares: South Asian, 0.0077%; no homozygotes.

Submission:

Labcorp Genetics (formerly Invitae), Labcorp
Classification: Uncertain significance for Deficiency of adenosine deaminase 2. Last evaluated: 2022-07-23. Review status: criteria provided, single submitter. Criteria: Invitae Variant Classification Sherloc (09022015). Collection method: clinical testing. Allele origin: germline.
Comment: Algorithms developed to predict the effect of missense changes on protein structure and function output the following: SIFT: "Tolerated"; PolyPhen-2: "Benign"; Align-GVGD: "Class C0". The aspartic acid amino acid residue is found in multiple mammalian species, which suggests that this missense change does not adversely affect protein function. In summary, the available evidence is currently insufficient to determine the role of this variant in disease. Therefore, it has been classified as a Variant of Uncertain Significance. ClinVar contains an entry for this variant (Variation ID: 939561). This sequence change replaces glutamic acid, which is acidic and polar, with aspartic acid, which is acidic and polar, at codon 94 of the ADA2 protein (p.Glu94Asp). This variant is present in population databases (rs761776202, gnomAD 0.01%). This variant has not been reported in the literature in individuals affected with ADA2-related conditions.

NM_001282225.2(ADA2):c.282G>C (p.Glu94Asp)

Gene: ADA2 (adenosine deaminase 2; minus strand). Cytogenetic location: 22q11.1.
Variant type: single nucleotide variant.
Coding change: c.282G>C on transcript NM_001282225.2 (MANE Select); coding-DNA position 282, G replaced by C.
Protein change: p.Glu94Asp; replaces glutamic acid 94 with aspartic acid.
Molecular consequence: missense variant. On other transcripts: intron variant (1).
Genome position (GRCh38, 1-based): chr22:17,209,396, C>G on the plus strand (G>C on the coding strand, the complement: ADA2 is on the minus strand). VCF-style: chr22-17209396-C-G. GRCh37 (hg19) VCF-style: chr22-17690286-C-G.
Other names: c.282G>C, p.Glu94Asp (NM_001282226.2); c.156G>C, p.Glu52Asp (NM_001282227.2, NM_001282228.2); c.-38-2106G>C (NM_001282229.2); short protein forms E94D, E52D.
Identifiers: ClinVar variation 939561 (VCV000939561.10), dbSNP rs761776202, ClinGen allele CA10088288.